The following is an entry in ClinVar:

ClinVar aggregate classification (germline): Pathogenic (1 of 4 stars; one submission).

Submission:

Labcorp Genetics (formerly Invitae), Labcorp
Classification: Pathogenic. Last evaluated: 2024-04-29. Review status: criteria provided, single submitter. Criteria: Invitae Variant Classification Sherloc (09022015). Collection method: clinical testing. Allele origin: germline.
Comment: This sequence change creates a premature translational stop signal (p.Lys65Argfs*16) in the PRMT7 gene. It is expected to result in an absent or disrupted protein product. Loss-of-function variants in PRMT7 are known to be pathogenic (PMID: 26437029, 27718516). This variant is not present in population databases (gnomAD no frequency). This variant has not been reported in the literature in individuals affected with PRMT7-related conditions. For these reasons, this variant has been classified as Pathogenic.

Literature cited by the submitters: PubMed 26437029; PubMed 27718516.

NM_019023.5(PRMT7):c.194del (p.Lys65fs)

Gene: PRMT7 (protein arginine methyltransferase 7; plus strand). Cytogenetic location: 16q22.1.
Variant type: Deletion.
Coding change: c.194del on transcript NM_019023.5 (MANE Select); coding-DNA position 194, one base deleted (A; older notation c.194delA).
Protein change: p.Lys65fs; shifts the reading frame from lysine 65.
Molecular consequence: frameshift variant. On other transcripts: 5 prime UTR variant (3), non-coding transcript variant (12), intron variant (1).
Genome position (GRCh38, 1-based): chr16:68,324,744, A deleted; the last of 2 consecutive A bases (chr16:68,324,743-68,324,744); deleting either gives the same sequence. VCF-style (leftmost placement, unchanged base first): chr16-68324742-GA-G. GRCh37 (hg19) VCF-style: chr16-68358645-GA-G.
Other names: c.194del, p.Lys65fs (NM_001290018.2, NM_001351143.3, NM_001351144.3 and 1 more transcripts); c.96del, p.Gly33fs (NM_001378020.1); c.-44del (NM_001378021.1, NM_001378022.1, NM_001378023.1); c.132+3282del (NM_001184824.4); short protein forms K65fs, G33fs.
Identifiers: ClinVar variation 3651536 (VCV003651536.2).